The following is an entry in ClinVar:

ClinVar aggregate classification (germline): Uncertain significance (0 of 4 stars; one submission).

Conditions:
KSR2-related disorder. Also called: KSR2-related condition.

gnomAD v4.1: 19 of 1,613,690 alleles (0.0012%); highest among the groups gnomAD compares: East Asian, 0.011%; no homozygotes.

Submission:

PreventionGenetics, part of Exact Sciences
Classification: Uncertain significance for KSR2-related condition. Last evaluated: 2024-05-31. Review status: no assertion criteria provided. Collection method: clinical testing. Allele origin: germline.
Comment: The KSR2 c.1376G>A variant is predicted to result in the amino acid substitution p.Arg459His. This variant has been reported in a cohort study with autism (Fu et al. 2022. PubMed ID: 35982160. Table S20). This variant is reported in 0.010% of alleles in individuals of East Asian descent in gnomAD. At this time, the clinical significance of this variant is uncertain due to the absence of conclusive functional and genetic evidence.

NM_173598.6(KSR2):c.1463G>A (p.Arg488His)

Gene: KSR2 (kinase suppressor of ras 2; minus strand). Cytogenetic location: 12q24.22.
Variant type: single nucleotide variant.
Coding change: c.1463G>A on transcript NM_173598.6 (MANE Select); coding-DNA position 1463, G replaced by A.
Protein change: p.Arg488His; replaces arginine 488 with histidine.
Molecular consequence: missense variant.
Genome position (GRCh38, 1-based): chr12:117,555,224, C>T on the plus strand (G>A on the coding strand, the complement: KSR2 is on the minus strand). VCF-style: chr12-117555224-C-T. GRCh37 (hg19) VCF-style: chr12-117993029-C-T.
Other names: short protein forms R488H.
Identifiers: ClinVar variation 3351026 (VCV003351026.1).
Genomic context (GRCh38, chr12:117,555,224, plus strand): 5'-CTTACCTTGTTGATTTTGTTGGTTTTGGGGAGCGTCTGACTGATGTGCAGGTCTGAATAG[C>T]GAGGTGGCTTCCGTAGAGGGTTGTTGATGTCACACGGAACGGACTCTGTCCGGACTAACC-3'
Protein context (NP_775869.4, residues 478-498): DINNPLRKPP[Arg488His]YSDLHISQTL